The following is an entry in ClinVar:

NM_001379610.1(SPINK1):c.14G>A (p.Gly5Asp)

Gene: SPINK1 (serine peptidase inhibitor Kazal type 1; minus strand). Cytogenetic location: 5q32.
Variant type: single nucleotide variant.
Coding change: c.14G>A on transcript NM_001379610.1 (MANE Select); coding-DNA position 14, G replaced by A.
Protein change: p.Gly5Asp; replaces glycine 5 with aspartic acid.
Molecular consequence: missense variant.
Genome position (GRCh38, 1-based): chr5:147,831,564, C>T on the plus strand (G>A on the coding strand, the complement: SPINK1 is on the minus strand). VCF-style: chr5-147831564-C-T. GRCh37 (hg19) VCF-style: chr5-147211127-C-T.
Other names: c.14G>A, p.Gly5Asp (NM_001354966.2, NM_003122.5); short protein forms G5D.
Identifiers: ClinVar variation 836220 (VCV000836220.9), dbSNP rs759869911, ClinGen allele CA3494831.

ClinVar aggregate classification (germline): Uncertain significance (1 of 4 stars; one submission).

Conditions:
Hereditary pancreatitis (PCTT). Also called: PRSS1-Related Hereditary Pancreatitis; Hereditary chronic pancreatitis. Identifiers: Orphanet 676, MedGen C0238339, MONDO:0008185, OMIM 167800.

Allele frequency attached by ClinVar (database versions not stated): TOPMed below 0.00001; gnomAD exomes 0.00001; ExAC 0.00002.
gnomAD v4.1: 4 of 1,613,618 alleles (0.00025%); highest among the groups gnomAD compares: African/African-American, 0.0027%; no homozygotes.

Submission:

Labcorp Genetics (formerly Invitae), Labcorp
Classification: Uncertain significance for Hereditary pancreatitis. Last evaluated: 2019-03-27. Review status: criteria provided, single submitter. Criteria: Invitae Variant Classification Sherloc (09022015). Collection method: clinical testing. Allele origin: germline.
Comment: This sequence change replaces glycine with aspartic acid at codon 5 of the SPINK1 protein (p.Gly5Asp). The glycine residue is weakly conserved and there is a moderate physicochemical difference between glycine and aspartic acid. This variant is present in population databases (rs759869911, ExAC 0.02%). This variant has not been reported in the literature in individuals with SPINK1-related conditions. Algorithms developed to predict the effect of missense changes on protein structure and function (SIFT, PolyPhen-2, Align-GVGD) all suggest that this variant is likely to be tolerated, but these predictions have not been confirmed by published functional studies and their clinical significance is uncertain. In summary, the available evidence is currently insufficient to determine the role of this variant in disease. Therefore, it has been classified as a Variant of Uncertain Significance.